The following is an entry in ClinVar:

NC_000023.10:g.(?_31222068)_(31382270_?)dup

Gene: DMD (dystrophin; minus strand). Cytogenetic location: Xp21.2.
Variant type: Duplication.
Identifiers: ClinVar variation 1411061 (VCV001411061.6).

ClinVar aggregate classification (germline): Uncertain significance (1 of 4 stars; one submission).

Conditions:
Duchenne muscular dystrophy (DMD). Also called: MUSCULAR DYSTROPHY, PSEUDOHYPERTROPHIC PROGRESSIVE, DUCHENNE TYPE; Duchenne Muscular Dystrophy (DMD). Identifiers: Orphanet 98896, MedGen C0013264, MONDO:0010679, OMIM 310200.

Submission:

Labcorp Genetics (formerly Invitae), Labcorp
Classification: Uncertain significance for Duchenne muscular dystrophy. Last evaluated: 2021-08-12. Review status: criteria provided, single submitter. Criteria: Invitae Variant Classification Sherloc (09022015). Collection method: clinical testing. Allele origin: germline.
Comment: This variant results in a copy number gain of the genomic region encompassing exon(s) 61-67 of the DMD gene. While the exact position of this variant cannot be determined from the data, sub-genic copy number gains are generally in tandem (PMID: 25640679). This variant is predicted to be in-frame, and likely preserves the integrity of the reading frame. This variant has not been reported in the literature in individuals affected with DMD-related conditions. Experimental studies and prediction algorithms are not available or were not evaluated, and the functional significance of this variant is currently unknown. In summary, the available evidence is currently insufficient to determine the role of this variant in disease. Therefore, it has been classified as a Variant of Uncertain Significance.

Literature cited by the submitters: PubMed 25640679.